The following is an entry in ClinVar:

NM_015331.3(NCSTN):c.23C>T (p.Ser8Phe)

Gene: NCSTN (nicastrin; plus strand). Cytogenetic location: 1q23.2.
Variant type: single nucleotide variant.
Coding change: c.23C>T on transcript NM_015331.3 (MANE Select); coding-DNA position 23, C replaced by T.
Protein change: p.Ser8Phe; replaces serine 8 with phenylalanine.
Molecular consequence: missense variant. On other transcripts: 5 prime UTR variant (1).
Genome position (GRCh38, 1-based): chr1:160,343,419, C>T. VCF-style: chr1-160343419-C-T. GRCh37 (hg19) VCF-style: chr1-160313209-C-T.
Other names: c.-177C>T (NM_001290184.2); c.23C>T, p.Ser8Phe (NM_001290186.2, NM_001349729.2); short protein forms S8F.
Identifiers: ClinVar variation 1434619 (VCV001434619.8), dbSNP rs770476356, ClinGen allele CA343274356.

ClinVar aggregate classification (germline): Uncertain significance (1 of 4 stars; one submission).

Submission:

Labcorp Genetics (formerly Invitae), Labcorp
Classification: Uncertain significance. Last evaluated: 2023-05-22. Review status: criteria provided, single submitter. Criteria: Invitae Variant Classification Sherloc (09022015). Collection method: clinical testing. Allele origin: germline.
Comment: This variant is not present in population databases (gnomAD no frequency). This variant has not been reported in the literature in individuals affected with NCSTN-related conditions. ClinVar contains an entry for this variant (Variation ID: 1434619). Algorithms developed to predict the effect of missense changes on protein structure and function output the following: SIFT: "Not Available"; PolyPhen-2: "Benign"; Align-GVGD: "Not Available". The phenylalanine amino acid residue is found in multiple mammalian species, which suggests that this missense change does not adversely affect protein function. In summary, the available evidence is currently insufficient to determine the role of this variant in disease. Therefore, it has been classified as a Variant of Uncertain Significance. This sequence change replaces serine, which is neutral and polar, with phenylalanine, which is neutral and non-polar, at codon 8 of the NCSTN protein (p.Ser8Phe).